The following is an entry in ClinVar:

ClinVar aggregate classification (germline): Uncertain significance (1 of 4 stars; one submission).

Submission:

Labcorp Genetics (formerly Invitae), Labcorp
Classification: Uncertain significance. Last evaluated: 2022-09-23. Review status: criteria provided, single submitter. Criteria: Invitae Variant Classification Sherloc (09022015). Collection method: clinical testing. Allele origin: germline.
Comment: In summary, the available evidence is currently insufficient to determine the role of this variant in disease. Therefore, it has been classified as a Variant of Uncertain Significance. Advanced modeling of protein sequence and biophysical properties (such as structural, functional, and spatial information, amino acid conservation, physicochemical variation, residue mobility, and thermodynamic stability) has been performed at Invitae for this missense variant, however the output from this modeling did not meet the statistical confidence thresholds required to predict the impact of this variant on COL11A1 protein function. This variant has not been reported in the literature in individuals affected with COL11A1-related conditions. This variant is not present in population databases (gnomAD no frequency). This sequence change replaces glycine, which is neutral and non-polar, with aspartic acid, which is acidic and polar, at codon 805 of the COL11A1 protein (p.Gly805Asp).

NM_001854.4(COL11A1):c.2414G>A (p.Gly805Asp)

Gene: COL11A1 (collagen type XI alpha 1 chain; minus strand). Cytogenetic location: 1p21.1.
Variant type: single nucleotide variant.
Coding change: c.2414G>A on transcript NM_001854.4 (MANE Select); coding-DNA position 2414, G replaced by A.
Protein change: p.Gly805Asp; replaces glycine 805 with aspartic acid.
Molecular consequence: missense variant. On other transcripts: non-coding transcript variant (1).
Genome position (GRCh38, 1-based): chr1:102,987,721, C>T on the plus strand (G>A on the coding strand, the complement: COL11A1 is on the minus strand). VCF-style: chr1-102987721-C-T. GRCh37 (hg19) VCF-style: chr1-103453277-C-T.
Other names: c.2066G>A, p.Gly689Asp (NM_001168249.1, NM_080630.4); c.2297G>A, p.Gly766Asp (NM_001190709.2); c.2450G>A, p.Gly817Asp (NM_080629.3); short protein forms G689D, G766D, G817D, G805D.
Identifiers: ClinVar variation 2014441 (VCV002014441.4), dbSNP rs2525205945, ClinGen allele CA341166175.